The following is an entry in ClinVar:

NM_052859.4(RFT1):c.1455G>A (p.Ser485=)

Gene: RFT1 (RFT1 glycolipid translocator homolog; minus strand). Cytogenetic location: 3p21.1.
Variant type: single nucleotide variant.
Coding change: c.1455G>A on transcript NM_052859.4 (MANE Select); coding-DNA position 1455, G replaced by A.
Protein change: p.Ser485=; no amino-acid change (serine 485 retained).
Molecular consequence: synonymous variant.
Genome position (GRCh38, 1-based): chr3:53,092,372, C>T on the plus strand (G>A on the coding strand, the complement: RFT1 is on the minus strand). VCF-style: chr3-53092372-C-T. GRCh37 (hg19) VCF-style: chr3-53126388-C-T.
Identifiers: ClinVar variation 537340 (VCV000537340.1), dbSNP rs767866491, ClinGen allele CA2451151.

ClinVar aggregate classification (germline): Uncertain significance (1 of 4 stars; one submission).

Conditions:
RFT1-congenital disorder of glycosylation (CDG1N). Also called: CDG In; Congenital disorder of glycosylation type In; RFT1-CDG. Identifiers: Orphanet 244310, MedGen C2677590, MONDO:0012783, OMIM 612015.

Allele frequency attached by ClinVar (database versions not stated): ExAC below 0.00001; gnomAD exomes 0.00001.
gnomAD v4.1: 20 of 1,599,136 alleles (0.0013%); highest among the groups gnomAD compares: Non-Finnish European, 0.0017%; no homozygotes.

Submission:

Labcorp Genetics (formerly Invitae), Labcorp
Classification: Uncertain significance for RFT1-congenital disorder of glycosylation. Last evaluated: 2017-12-11. Review status: criteria provided, single submitter. Criteria: Invitae Variant Classification Sherloc (09022015). Collection method: clinical testing. Allele origin: germline.
Comment: This sequence change affects codon 485 of the RFT1 mRNA. It is a 'silent' change, meaning that it does not change the encoded amino acid sequence of the RFT1 protein. The frequency data for this variant in the population databases is considered unreliable, as metrics indicate poor data quality at this position in the ExAC database. This variant has not been reported in the literature in individuals with RFT1-related disease. Algorithms developed to predict the effect of sequence changes on RNA splicing suggest that this variant may create or strengthen a splice site, but this prediction has not been confirmed by published transcriptional studies. In summary, the available evidence is currently insufficient to determine the role of this variant in disease. Therefore, it has been classified as a Variant of Uncertain Significance.